The following is an entry in ClinVar:

ClinVar aggregate classification (germline): Uncertain significance (1 of 4 stars; one submission).

gnomAD v4.1: 27 of 1,614,074 alleles (0.0017%); highest among the groups gnomAD compares: African/African-American, 0.0027%; no homozygotes.

Submission:

Labcorp Genetics (formerly Invitae), Labcorp
Classification: Uncertain significance. Last evaluated: 2025-11-19. Review status: criteria provided, single submitter. Criteria: Invitae Variant Classification Sherloc (09022015). Collection method: clinical testing. Allele origin: germline.
Comment: This sequence change replaces valine, which is neutral and non-polar, with methionine, which is neutral and non-polar, at codon 252 of the UTP4 protein (p.Val252Met). This variant is present in population databases (rs375128162, gnomAD 0.007%). This variant has not been reported in the literature in individuals affected with UTP4-related conditions. Invitae Evidence Modeling of protein sequence and biophysical properties (such as structural, functional, and spatial information, amino acid conservation, physicochemical variation, residue mobility, and thermodynamic stability) indicates that this missense variant is not expected to disrupt UTP4 protein function with a negative predictive value of 80%. In summary, the available evidence is currently insufficient to determine the role of this variant in disease. Therefore, it has been classified as a Variant of Uncertain Significance.

NM_032830.3(UTP4):c.754G>A (p.Val252Met)

Gene: UTP4 (UTP4 small subunit processome component). Cytogenetic location: 16q22.1.
Variant type: single nucleotide variant.
Coding change: c.754G>A on transcript NM_032830.3 (MANE Select); coding-DNA position 754, G replaced by A.
Protein change: p.Val252Met; replaces valine 252 with methionine.
Molecular consequence: missense variant.
Genome position (GRCh38, 1-based): chr16:69,150,552, G>A. VCF-style: chr16-69150552-G-A. GRCh37 (hg19) VCF-style: chr16-69184455-G-A.
Other names: c.505G>A, p.Val169Met (NM_001318391.2); short protein forms V169M, V252M.
Identifiers: ClinVar variation 4749385 (VCV004749385.1).